The following is an entry in ClinVar:

ClinVar aggregate classification (germline): Uncertain significance. Review status: criteria provided, multiple submitters, no conflicts (2 of 4 stars). 4 submissions from 4 submitters: Uncertain significance (4). Last evaluated 2026-03-08.

Conditions:
COL11A2-related disorder. Also called: COL11A2-related disorders; COL11A2-related condition.
Autosomal recessive nonsyndromic hearing loss 53. Identifiers: Orphanet 90636, MedGen C1864746, MONDO:0012333, OMIM 609706.
Autosomal dominant nonsyndromic hearing loss 13. Identifiers: Orphanet 90635, MedGen C1866095, MONDO:0011159, OMIM 601868.
Fibrochondrogenesis 2 (FBCG2). Identifiers: Orphanet 2021, MedGen C3281128, MONDO:0013795, OMIM 614524.
Otospondylomegaepiphyseal dysplasia, autosomal dominant (OSMEDA). Also called: Stickler syndrome, type 3; COL11A2-Related Stickler Syndrome; Pierre Robin syndrome with fetal chondrodysplasia. Identifiers: Orphanet 166100, Orphanet 3450, MedGen C1848488, MONDO:0008490, OMIM 184840.
Otospondylomegaepiphyseal dysplasia, autosomal recessive (OSMEDB). Also called: CHONDRODYSTROPHY WITH SENSORINEURAL DEAFNESS; Insley-Astley syndrome. Identifiers: Orphanet 1427, MedGen CN034493, MONDO:0044206, OMIM 215150.

Allele frequency attached by ClinVar (database versions not stated): gnomAD 0.00001; TOPMed 0.00001; gnomAD exomes 0.00002 and 0.00005; ExAC 0.00003.
gnomAD v4.1: 78 of 1,613,180 alleles (0.0048%); highest among the groups gnomAD compares: Non-Finnish European, 0.0064%; no homozygotes.

Submissions (4):

PreventionGenetics, part of Exact Sciences
Classification: Uncertain significance for COL11A2-related condition. Last evaluated: 2026-03-08. Review status: criteria provided, single submitter. Criteria: ACMG Guidelines, 2015. Collection method: clinical testing. Allele origin: germline.
Comment: The COL11A2 c.182G>A variant is predicted to result in the amino acid substitution p.Arg61Gln. To our knowledge, this variant has not been reported in the literature. This variant is reported in 0.0045% of alleles in individuals of European (Non-Finnish) descent in gnomAD. At this time, the clinical significance of this variant is uncertain due to the absence of conclusive functional and genetic evidence.

Labcorp Genetics (formerly Invitae), Labcorp
Classification: Uncertain significance. Last evaluated: 2025-03-17. Review status: criteria provided, single submitter. Criteria: Invitae Variant Classification Sherloc (09022015). Collection method: clinical testing. Allele origin: germline.
Comment: This sequence change replaces arginine, which is basic and polar, with glutamine, which is neutral and polar, at codon 61 of the COL11A2 protein (p.Arg61Gln). This variant is present in population databases (rs761464756, gnomAD 0.005%). This variant has not been reported in the literature in individuals affected with COL11A2-related conditions. ClinVar contains an entry for this variant (Variation ID: 1449218). Invitae Evidence Modeling of protein sequence and biophysical properties (such as structural, functional, and spatial information, amino acid conservation, physicochemical variation, residue mobility, and thermodynamic stability) indicates that this missense variant is not expected to disrupt COL11A2 protein function with a negative predictive value of 95%. In summary, the available evidence is currently insufficient to determine the role of this variant in disease. Therefore, it has been classified as a Variant of Uncertain Significance.

Fulgent Genetics
Classification: Uncertain significance for Otospondylomegaepiphyseal dysplasia, autosomal dominant; Otospondylomegaepiphyseal dysplasia, autosomal recessive; Autosomal dominant nonsyndromic hearing loss 13; Autosomal recessive nonsyndromic hearing loss 53; Fibrochondrogenesis 2. Last evaluated: 2024-01-30. Review status: criteria provided, single submitter. Criteria: ACMG Guidelines, 2015. Collection method: clinical testing. Allele origin: germline.

GeneDx
Classification: Uncertain significance. Last evaluated: 2023-06-06. Review status: criteria provided, single submitter. Criteria: GeneDx Variant Classification Process June 2021. Collection method: clinical testing. Allele origin: germline. Affected: yes.
Comment: In silico analysis supports that this missense variant has a deleterious effect on protein structure/function; Has not been previously published as pathogenic or benign to our knowledge

NM_080680.3(COL11A2):c.182G>A (p.Arg61Gln)

Gene: COL11A2 (collagen type XI alpha 2 chain; minus strand). Cytogenetic location: 6p21.32.
Variant type: single nucleotide variant.
Coding change: c.182G>A on transcript NM_080680.3 (MANE Select); coding-DNA position 182, G replaced by A.
Protein change: p.Arg61Gln; replaces arginine 61 with glutamine.
Molecular consequence: missense variant.
Genome position (GRCh38, 1-based): chr6:33,189,370, C>T on the plus strand (G>A on the coding strand, the complement: COL11A2 is on the minus strand). VCF-style: chr6-33189370-C-T. GRCh37 (hg19) VCF-style: chr6-33157147-C-T.
Other names: c.182G>A (NM_080680.2); c.182G>A, p.Arg61Gln (NM_080681.3, NM_001163771.2, NM_080679.3); short protein forms R61Q.
Identifiers: ClinVar variation 1449218 (VCV001449218.8), dbSNP rs761464756, ClinGen allele CA3751743.